The following is an entry in ClinVar:

ClinVar aggregate classification (germline): Uncertain significance. Review status: criteria provided, multiple submitters, no conflicts (2 of 4 stars). 3 submissions from 3 submitters: Uncertain significance (3). Last evaluated 2026-01-11.

Conditions:
Cardiomyopathy (CMYO). Also called: Cardiomyopathies. Identifiers: Orphanet 167848, MedGen C0878544, MONDO:0004994, HP:0001638. Inheritance: Various modes of inheritance.
Hypertrophic cardiomyopathy. Also called: HYPERTROPHIC MYOCARDIOPATHY. Identifiers: Orphanet 217569, MedGen C0007194, MeSH D002312, MONDO:0005045, HP:0001639.

Allele frequency attached by ClinVar (database versions not stated): gnomAD exomes below 0.00001.

Submissions (3):

Labcorp Genetics (formerly Invitae), Labcorp
Classification: Uncertain significance for Hypertrophic cardiomyopathy. Last evaluated: 2026-01-11. Review status: criteria provided, single submitter. Criteria: Invitae Variant Classification Sherloc (09022015). Collection method: clinical testing. Allele origin: germline.
Comment: This sequence change replaces tryptophan, which is neutral and slightly polar, with cysteine, which is neutral and slightly polar, at codon 396 of the MYBPC3 protein (p.Trp396Cys). This variant is not present in population databases (gnomAD no frequency). This missense change has been observed in individual(s) with clinical features of hypertrophic cardiomyopathy (PMID: 27532257, 33673806). ClinVar contains an entry for this variant (Variation ID: 42509). An algorithm developed to predict the effect of missense changes on protein structure and function (PolyPhen-2) suggests that this variant is likely to be disruptive. In summary, the available evidence is currently insufficient to determine the role of this variant in disease. Therefore, it has been classified as a Variant of Uncertain Significance.

CHEO Genetics Diagnostic Laboratory, Children's Hospital of Eastern Ontario
Classification: Uncertain significance for Cardiomyopathy. Last evaluated: 2020-04-01. Review status: criteria provided, single submitter. Criteria: ACMG Guidelines, 2015. Collection method: clinical testing. Allele origin: germline.

Laboratory for Molecular Medicine, Mass General Brigham Personalized Medicine
Classification: Uncertain significance. Last evaluated: 2010-08-13. Review status: criteria provided, single submitter. Criteria: LMM Criteria. Collection method: clinical testing. Allele origin: germline. Observed: 1 variant allele.
Comment: The Trp396Cys variant has not been reported in the literature. Tryptophan (Trp) at position 396 is highly conserved across several evolutionary distant species , increasing the likelihood that the change is pathogenic.. It should b e noted that this laboratory has only tested a small number of Indian probands s o far and therefore has very limited data on common variants that are found in t he Indian population. Future analysis could reveal that the Trp396Cys variant i s common in this population and therefore unlikely to be pathogenic. In summary , the clinical significance of this variant cannot be determined at this time.

Literature cited by the submitters: PubMed 27532257 (cited by Labcorp Genetics (formerly Invitae), Labcorp); PubMed 33673806 (cited by Labcorp Genetics (formerly Invitae), Labcorp).

NM_000256.3(MYBPC3):c.1188G>T (p.Trp396Cys)

Gene: MYBPC3 (myosin binding protein C3; minus strand). Cytogenetic location: 11p11.2.
Variant type: single nucleotide variant.
Coding change: c.1188G>T on transcript NM_000256.3 (MANE Select); coding-DNA position 1188, G replaced by T.
Protein change: p.Trp396Cys; replaces tryptophan 396 with cysteine.
Molecular consequence: missense variant.
Genome position (GRCh38, 1-based): chr11:47,343,527, C>A on the plus strand (G>T on the coding strand, the complement: MYBPC3 is on the minus strand). VCF-style: chr11-47343527-C-A. GRCh37 (hg19) VCF-style: chr11-47365078-C-A.
Other names: short protein forms W396C.
Identifiers: ClinVar variation 42509 (VCV000042509.10), dbSNP rs397515890, ClinGen allele CA009849.